The following is an entry in ClinVar:

NM_012330.4(KAT6B):c.1805C>T (p.Ser602Phe)

Gene: KAT6B (lysine acetyltransferase 6B; plus strand). Cytogenetic location: 10q22.2.
Variant type: single nucleotide variant.
Coding change: c.1805C>T on transcript NM_012330.4 (MANE Select); coding-DNA position 1805, C replaced by T.
Protein change: p.Ser602Phe; replaces serine 602 with phenylalanine.
Molecular consequence: missense variant. On other transcripts: intron variant (13).
Genome position (GRCh38, 1-based): chr10:74,976,142, C>T. VCF-style: chr10-74976142-C-T. GRCh37 (hg19) VCF-style: chr10-76735900-C-T.
Other names: c.1805C>T, p.Ser602Phe (NM_001370136.1, NM_001370137.1); c.1117+688C>T (NM_001370139.1, NM_001370140.1, NM_001370141.1 and 3 more transcripts); c.1444+361C>T (NM_001370138.1, NM_001256468.2); c.846+6367C>T (NM_001370133.1); c.193-3082C>T (NM_001370134.1); c.929-1174C>T (NM_001370143.1, NM_001370144.1); c.193-12877C>T (NM_001370135.1); short protein forms S602F.
Identifiers: ClinVar variation 2004712 (VCV002004712.4), dbSNP rs773974070, ClinGen allele CA5564477.

ClinVar aggregate classification (germline): Uncertain significance (1 of 4 stars; one submission).

Conditions:
Genitopatellar syndrome (GTPTS). Also called: ABSENT PATELLAE, SCROTAL HYPOPLASIA, RENAL ANOMALIES, FACIAL DYSMORPHISM, AND MENTAL RETARDATION; Genitopatellar syndrome (GPS). Identifiers: Orphanet 85201, MedGen C1853566, MONDO:0011640, OMIM 606170.

Allele frequency attached by ClinVar (database versions not stated): ExAC 0.00001.
gnomAD v4.1: 3 of 1,614,190 alleles (0.00019%); highest among the groups gnomAD compares: Non-Finnish European, 0.00025%; no homozygotes.

Submission:

Labcorp Genetics (formerly Invitae), Labcorp
Classification: Uncertain significance for Genitopatellar syndrome. Last evaluated: 2022-06-11. Review status: criteria provided, single submitter. Criteria: Invitae Variant Classification Sherloc (09022015). Collection method: clinical testing. Allele origin: germline.
Comment: This variant is present in population databases (rs773974070, gnomAD 0.007%). In summary, the available evidence is currently insufficient to determine the role of this variant in disease. Therefore, it has been classified as a Variant of Uncertain Significance. Algorithms developed to predict the effect of missense changes on protein structure and function are either unavailable or do not agree on the potential impact of this missense change (SIFT: "Deleterious"; PolyPhen-2: "Benign"; Align-GVGD: "Class C0"). This variant has not been reported in the literature in individuals affected with KAT6B-related conditions. This sequence change replaces serine, which is neutral and polar, with phenylalanine, which is neutral and non-polar, at codon 602 of the KAT6B protein (p.Ser602Phe).